The following is an entry in ClinVar:

ClinVar aggregate classification (germline): Uncertain significance (1 of 4 stars; one submission).

Conditions:
CNOT3-related disorder. Also called: CNOT3-related condition.

Submission:

PreventionGenetics, part of Exact Sciences
Classification: Uncertain significance for CNOT3-related condition. Last evaluated: 2023-06-09. Review status: criteria provided, single submitter. Criteria: ACMG Guidelines, 2015. Collection method: clinical testing. Allele origin: germline.
Comment: The CNOT3 c.1499T>C variant is predicted to result in the amino acid substitution p.Leu500Pro. To our knowledge, this variant has not been reported in the literature or in a large population database, indicating this variant is rare. At this time, the clinical significance of this variant is uncertain due to the absence of conclusive functional and genetic evidence.

NM_014516.4(CNOT3):c.1499T>C (p.Leu500Pro)

Gene: CNOT3 (CCR4-NOT transcription complex subunit 3; plus strand). Cytogenetic location: 19q13.42.
Variant type: single nucleotide variant.
Coding change: c.1499T>C on transcript NM_014516.4 (MANE Select); coding-DNA position 1499, T replaced by C.
Protein change: p.Leu500Pro; replaces leucine 500 with proline.
Molecular consequence: missense variant.
Genome position (GRCh38, 1-based): chr19:54,149,652, T>C. VCF-style: chr19-54149652-T-C. GRCh37 (hg19) VCF-style: chr19-54653387-T-C.
Other names: short protein forms L500P.
Identifiers: ClinVar variation 2632191 (VCV002632191.1), dbSNP rs761393839, ClinGen allele CA407766606.